The following is an entry in ClinVar:

NM_000321.3(RB1):c.1422-29_1422-28delinsTA

Gene: RB1 (RB transcriptional corepressor 1; plus strand). Cytogenetic location: 13q14.2.
Variant type: Indel.
Coding change: c.1422-29_1422-28delinsTA on transcript NM_000321.3 (MANE Select); 29 bases into the intron before coding-DNA position 1422 through 28 bases into the intron before coding-DNA position 1422, AT replaced by TA.
Molecular consequence: intron variant.
Genome position (GRCh38, 1-based): chr13:48,380,136-48,380,137, AT replaced by TA. VCF-style: chr13-48380136-AT-TA. GRCh37 (hg19) VCF-style: chr13-48954272-AT-TA.
Other names: c.1422-29_1422-28delinsTA (NM_001407165.1, NM_001407166.1).
Identifiers: ClinVar variation 4759377 (VCV004759377.1).

ClinVar aggregate classification (germline): Likely benign (1 of 4 stars; one submission).

Conditions:
Hereditary retinoblastoma. Identifiers: Orphanet 357027, MedGen C0751483, MONDO:0018160.

Submission:

Ramesar Group, Division of Human Genetics, Institute of Infectious Diseases and Molecular Medicine, UCT/MRC Genomic and Precision Medicine Research Unit, University of Cape Town
Classification: Likely benign for Hereditary retinoblastoma. Last evaluated: 2025-09-17. Review status: criteria provided, single submitter. Criteria: ACMG Guidelines, 2015. Collection method: research. Allele origin: germline. Affected: no.
Comment: BP5 - Variant found in a patient with a different retinal disease; RB1 is not associated with the phenotype BP7 - A non-coding variant with no predicted effect on splicing (SpliceAI scores are negligible)